The following is an entry in ClinVar:

NM_004067.4(CHN2):c.1005C>T (p.Ala335=)

Gene: CHN2 (chimerin 2; plus strand). Cytogenetic location: 7p14.3.
Variant type: single nucleotide variant.
Coding change: c.1005C>T on transcript NM_004067.4 (MANE Select); coding-DNA position 1005, C replaced by T.
Protein change: p.Ala335=; no amino-acid change (alanine 335 retained).
Molecular consequence: synonymous variant. On other transcripts: non-coding transcript variant (1), intron variant (5).
Genome position (GRCh38, 1-based): chr7:29,507,241, C>T. VCF-style: chr7-29507241-C-T. GRCh37 (hg19) VCF-style: chr7-29546857-C-T.
Other names: NM_001293069.1:c.1230C>T; c.597C>T, p.Ala199= (NM_001039936.3); c.1044C>T, p.Ala348= (NM_001293070.2); c.900C>T, p.Ala300= (NM_001293071.2); c.960C>T, p.Ala320= (NM_001293072.2); c.462C>T, p.Ala154= (NM_001293073.2); c.423C>T, p.Ala141= (NM_001293076.2); c.384C>T, p.Ala128= (NM_001293081.2); and 6 more.
Identifiers: ClinVar variation 3048142 (VCV003048142.2), dbSNP rs148176559, ClinGen allele CA4202311.
Genomic context (GRCh38, chr7:29,507,241, plus strand): 5'-GTGAAATAAGGTCCTAATTAGGACTTGGATCACTGATTGTTTTTCAGATGGTGAAAAGGC[C>T]GATATATCTGCCAATGTCTATCCAGACATAAACATCATCACTGGAGCCCTTAAACTGTAT-3'
Protein context (NP_004058.1, residues 325-345): KMAFDRDGEK[Ala335=]DISANVYPDI

ClinVar aggregate classification (germline): Likely benign (0 of 4 stars; one submission).

Conditions:
CHN2-related disorder. Also called: CHN2-related condition.

Allele frequency attached by ClinVar (database versions not stated): gnomAD exomes 0.00012; ExAC 0.00046; ESP Exome Variant Server 0.00077; TOPMed 0.00090; gnomAD 0.00092; 1000 Genomes Project 30x 0.00094; 1000 Genomes Project 0.00100.
gnomAD v4.1: 324 of 1,607,694 alleles (0.02%); highest among the groups gnomAD compares: African/African-American, 0.28%; no homozygotes.

Submission:

PreventionGenetics, part of Exact Sciences
Classification: Likely benign for CHN2-related condition. Last evaluated: 2022-07-26. Review status: no assertion criteria provided. Collection method: clinical testing. Allele origin: germline.
Comment: This variant is classified as likely benign based on ACMG/AMP sequence variant interpretation guidelines (Richards et al. 2015 PMID: 25741868, with internal and published modifications).